The following is an entry in ClinVar:

ClinVar aggregate classification (germline): Uncertain significance. Review status: criteria provided, multiple submitters, no conflicts (2 of 4 stars). 2 submissions from 2 submitters: Uncertain significance (2). Last evaluated 2025-09-03.

Conditions:
Hyperprolinemia type 2 (HYRPRO2). Also called: Deficiency of pyrroline-5-carboxylate reductase; 1-PYRROLINE-5-CARBOXYLATE DEHYDROGENASE DEFICIENCY; Delta-1-pyrroline-5-carboxylate dehydrogenase deficiency. Identifiers: Orphanet 79101, MedGen C2931835, MONDO:0009401, OMIM 239510.

Allele frequency attached by ClinVar (database versions not stated): ExAC 0.00001; gnomAD 0.00001; gnomAD exomes 0.00001; TOPMed 0.00001.
gnomAD v4.1: 11 of 1,614,038 alleles (0.00068%); highest among the groups gnomAD compares: Non-Finnish European, 0.00085%; no homozygotes.

Submissions (2):

Human Genetics Bochum, Ruhr University Bochum
Classification: Uncertain significance for Hyperprolinemia type 2. Last evaluated: 2025-09-03. Review status: criteria provided, single submitter. Criteria: ACMG Guidelines, 2015. Collection method: clinical testing. Allele origin: germline. Affected: yes.
Comment: in compound heterozygous state with c.1625C>T; ACMG criteria used to clasify this variant: PP3_MOD, PM2_SUP

Labcorp Genetics (formerly Invitae), Labcorp
Classification: Uncertain significance for Hyperprolinemia type 2. Last evaluated: 2022-10-24. Review status: criteria provided, single submitter. Criteria: Invitae Variant Classification Sherloc (09022015). Collection method: clinical testing. Allele origin: germline.
Comment: This sequence change replaces glycine, which is neutral and non-polar, with glutamic acid, which is acidic and polar, at codon 480 of the ALDH4A1 protein (p.Gly480Glu). This variant is present in population databases (rs762708368, gnomAD 0.003%). This missense change has been observed in individual(s) with clinical features of ALDH4A1-related conditions (Invitae). ClinVar contains an entry for this variant (Variation ID: 471328). Algorithms developed to predict the effect of missense changes on protein structure and function (SIFT, PolyPhen-2, Align-GVGD) all suggest that this variant is likely to be disruptive. In summary, the available evidence is currently insufficient to determine the role of this variant in disease. Therefore, it has been classified as a Variant of Uncertain Significance.

NM_003748.4(ALDH4A1):c.1439G>A (p.Gly480Glu)

Genes: ALDH4A1 (aldehyde dehydrogenase 4 family member A1; minus strand), LOC120893116 (Sharpr-MPRA regulatory region 7483; plus strand). Cytogenetic location: 1p36.13.
Variant type: single nucleotide variant.
Coding change: c.1439G>A on transcript NM_003748.4 (MANE Select); coding-DNA position 1439, G replaced by A.
Protein change: p.Gly480Glu; replaces glycine 480 with glutamic acid.
Molecular consequence: missense variant.
Genome position (GRCh38, 1-based): chr1:18,875,403, C>T on the plus strand (G>A on the coding strand, the complement: ALDH4A1 is on the minus strand). VCF-style: chr1-18875403-C-T. GRCh37 (hg19) VCF-style: chr1-19201897-C-T.
Other names: c.1259G>A, p.Gly420Glu (NM_001161504.2); c.1286G>A, p.Gly429Glu (NM_001319218.2); c.1439G>A, p.Gly480Glu (NM_170726.3); short protein forms G480E, G420E, G429E.
Identifiers: ClinVar variation 471328 (VCV000471328.11), dbSNP rs762708368, ClinGen allele CA646903.
Genomic context (GRCh38, chr1:18,875,403, plus strand): 5'-CCCGGAGCACAGCACCAGGGCTGCGGCCTGGCCACTCACTTATCCTGGGAGAACACTGCC[C>T]CCGTGAGGCCATAGCTGGTGGTGCTGTCAACCAGCTGCAGCGTCTCCTTGTACTTGTCAT-3'
Protein context (NP_003739.2, residues 470-490): VDSTTSYGLT[Gly480Glu]AVFSQDKDVV